The following is an entry in ClinVar:

NM_005228.5(EGFR):c.240+1G>C

Gene: EGFR (epidermal growth factor receptor; plus strand). Cytogenetic location: 7p11.2.
Variant type: single nucleotide variant.
Coding change: c.240+1G>C on transcript NM_005228.5 (MANE Select); the canonical splice donor site of the intron after coding-DNA position 240, G replaced by C.
Molecular consequence: splice donor variant. On other transcripts: intron variant (1).
Genome position (GRCh38, 1-based): chr7:55,142,438, G>C. VCF-style: chr7-55142438-G-C. GRCh37 (hg19) VCF-style: chr7-55210131-G-C.
Other names: c.240+1G>C (NM_001346899.2, NM_001346898.2, NM_001346897.2 and 3 more transcripts); c.89-13392G>C (NM_001346941.2); c.81+1G>C (NM_001346900.2).
Identifiers: ClinVar variation 4247265 (VCV004247265.1).

ClinVar aggregate classification (germline): Uncertain significance (1 of 4 stars; one submission).

Conditions:
Hereditary cancer-predisposing syndrome. Also called: Hereditary Cancer Syndrome; Hereditary neoplastic syndrome; Neoplastic Syndromes, Hereditary; Tumor predisposition. Identifiers: Orphanet 140162, MedGen C0027672, MeSH D009386, MONDO:0015356.

Submission:

Ambry Genetics
Classification: Uncertain significance for Hereditary cancer-predisposing syndrome. Last evaluated: 2025-07-23. Review status: criteria provided, single submitter. Criteria: Ambry Variant Classification Scheme 2023. Collection method: clinical testing. Allele origin: germline.
Comment: The c.240+1G>C intronic variant results from a G to C substitution one nucleotide after coding exon 2 of the EGFR gene. This variant is considered to be rare based on population cohorts in the Genome Aggregation Database (gnomAD). This nucleotide position is highly conserved in available vertebrate species. In silico splice site analysis predicts that this alteration will weaken the native splice donor site. Alterations that disrupt the canonical splice site are expected to cause aberrant splicing, resulting in an abnormal protein or a transcript that is subject to nonsense-mediated mRNA decay. Although biallelic loss of function of EGFR are known to cause EGFR-related neonatal inflammatory skin and bowel disease, such associations with EGFR-related lung cancer have not been reported. Based on the supporting evidence, this variant is expected to be causative of EGFR-related neonatal inflammatory skin and bowel disease when present along with a second pathogenic variant on the other allele; however, its clinical significance for EGFR-related lung cancer is unclear.